The following is an entry in ClinVar:

ClinVar aggregate classification (germline): Uncertain significance. Review status: criteria provided, multiple submitters, no conflicts (2 of 4 stars). 2 submissions from 2 submitters: Uncertain significance (2). Last evaluated 2025-10-21.

Conditions:
Arrhythmogenic right ventricular dysplasia 10. Also called: Arrhythmogenic Right Ventricular Dysplasia/Cardiomyopathy10; ARRHYTHMOGENIC RIGHT VENTRICULAR DYSPLASIA, FAMILIAL, 10; Arrhythmogenic right ventricular dysplasia/cardiomyopathy, type 10. Identifiers: MedGen C1857777, MONDO:0012434, OMIM 610193.
Cardiomyopathy (CMYO). Also called: Cardiomyopathies. Identifiers: Orphanet 167848, MedGen C0878544, MONDO:0004994, HP:0001638. Inheritance: Various modes of inheritance.

Allele frequency attached by ClinVar (database versions not stated): TOPMed below 0.00001; ExAC 0.00002; ESP Exome Variant Server 0.00008; gnomAD exomes below 0.00001.
gnomAD v4.1: 4 of 1,613,364 alleles (0.00025%); highest among the groups gnomAD compares: East Asian, 0.0022%; no homozygotes.

Submissions (2):

Labcorp Genetics (formerly Invitae), Labcorp
Classification: Uncertain significance for Arrhythmogenic right ventricular dysplasia 10. Last evaluated: 2025-10-21. Review status: criteria provided, single submitter. Criteria: Invitae Variant Classification Sherloc (09022015). Collection method: clinical testing. Allele origin: germline.
Comment: This sequence change replaces arginine, which is basic and polar, with cysteine, which is neutral and slightly polar, at codon 146 of the DSG2 protein (p.Arg146Cys). This variant is present in population databases (rs369078344, gnomAD 0.007%). This variant has not been reported in the literature in individuals affected with DSG2-related conditions. ClinVar contains an entry for this variant (Variation ID: 2918869). Invitae Evidence Modeling of protein sequence and biophysical properties (such as structural, functional, and spatial information, amino acid conservation, physicochemical variation, residue mobility, and thermodynamic stability) has been performed for this missense variant. However, the output from this modeling did not meet the statistical confidence thresholds required to predict the impact of this variant on DSG2 protein function. In summary, the available evidence is currently insufficient to determine the role of this variant in disease. Therefore, it has been classified as a Variant of Uncertain Significance.

Color Diagnostics, LLC DBA Color Health
Classification: Uncertain significance for Cardiomyopathy. Last evaluated: 2024-07-10. Review status: criteria provided, single submitter. Criteria: ACMG Guidelines, 2015. Collection method: clinical testing. Allele origin: germline.
Comment: This missense variant replaces arginine with cysteine at codon 146 of the DSG2 protein. Computational prediction suggests that this variant may not impact protein structure and function (internally defined REVEL score threshold <= 0.5, PMID: 27666373). To our knowledge, functional studies have not been reported for this variant. This variant has not been reported in individuals affected with DSG2-related disorders in the literature. This variant has been identified in 2/249344 chromosomes in the general population by the Genome Aggregation Database (gnomAD). The available evidence is insufficient to determine the role of this variant in disease conclusively. Therefore, this variant is classified as a Variant of Uncertain Significance.

NM_001943.5(DSG2):c.436C>T (p.Arg146Cys)

Gene: DSG2 (desmoglein 2; plus strand). Cytogenetic location: 18q12.1.
Variant type: single nucleotide variant.
Coding change: c.436C>T on transcript NM_001943.5 (MANE Select); coding-DNA position 436, C replaced by T.
Protein change: p.Arg146Cys; replaces arginine 146 with cysteine.
Molecular consequence: missense variant.
Genome position (GRCh38, 1-based): chr18:31,521,156, C>T. VCF-style: chr18-31521156-C-T. GRCh37 (hg19) VCF-style: chr18-29101119-C-T.
Other names: short protein forms R146C.
Identifiers: ClinVar variation 2918869 (VCV002918869.4), dbSNP rs369078344, ClinGen allele CA048732.